The following is an entry in ClinVar:

NM_015425.6(POLR1A):c.4161G>A (p.Arg1387=)

Gene: POLR1A (RNA polymerase I subunit A; minus strand). Cytogenetic location: 2p11.2.
Variant type: single nucleotide variant.
Coding change: c.4161G>A on transcript NM_015425.6 (MANE Select); coding-DNA position 4161, G replaced by A.
Protein change: p.Arg1387=; no amino-acid change (arginine 1387 retained).
Molecular consequence: synonymous variant.
Genome position (GRCh38, 1-based): chr2:86,033,661, C>T on the plus strand (G>A on the coding strand, the complement: POLR1A is on the minus strand). VCF-style: chr2-86033661-C-T. GRCh37 (hg19) VCF-style: chr2-86260784-C-T.
Identifiers: ClinVar variation 1711970 (VCV001711970.3), dbSNP rs2466316443, ClinGen allele CA427147546.

ClinVar aggregate classification (germline): Uncertain significance (1 of 4 stars; one submission).

Allele frequency attached by ClinVar (database versions not stated): gnomAD exomes below 0.00001.
gnomAD v4.1: 2 of 1,612,998 alleles (0.00012%); highest among the groups gnomAD compares: Non-Finnish European, 0.000085%; no homozygotes.

Submission:

GeneDx
Classification: Uncertain significance. Last evaluated: 2024-07-24. Review status: criteria provided, single submitter. Criteria: GeneDx Variant Classification Process June 2021. Collection method: clinical testing. Allele origin: germline. Affected: yes.
Comment: Not observed at significant frequency in large population cohorts (gnomAD); Has not been previously published as pathogenic or benign to our knowledge; In silico analysis supports a deleterious effect on splicing